The following is an entry in ClinVar:

NM_001144967.3(NEDD4L):c.1338C>G (p.Ser446Arg)

Gene: NEDD4L (NEDD4 like E3 ubiquitin protein ligase; plus strand). Cytogenetic location: 18q21.31.
Variant type: single nucleotide variant.
Coding change: c.1338C>G on transcript NM_001144967.3 (MANE Select); coding-DNA position 1338, C replaced by G.
Protein change: p.Ser446Arg; replaces serine 446 with arginine.
Molecular consequence: missense variant.
Genome position (GRCh38, 1-based): chr18:58,341,758, C>G. VCF-style: chr18-58341758-C-G. GRCh37 (hg19) VCF-style: chr18-56008990-C-G.
Other names: c.975C>G, p.Ser325Arg (NM_001144964.1, NM_001144965.2, NM_001144966.3); c.1314C>G, p.Ser438Arg (NM_001144968.2); c.1254C>G, p.Ser418Arg (NM_001144969.2); c.915C>G, p.Ser305Arg (NM_001144970.3, NM_001144971.2); c.1146C>G, p.Ser382Arg (NM_001243960.2); c.2175C>G, p.Ser725Arg (NM_001437337.1); c.1278C>G, p.Ser426Arg (NM_015277.6); short protein forms S438R, S725R, S382R, S418R, S305R, S325R, S426R, S446R.
Identifiers: ClinVar variation 5009090 (VCV005009090.1).

ClinVar aggregate classification (germline): Uncertain significance (1 of 4 stars; one submission).

Submission:

GeneDx
Classification: Uncertain significance. Last evaluated: 2026-03-11. Review status: criteria provided, single submitter. Criteria: GeneDx Variant Classification Process June 2021. Collection method: clinical testing. Allele origin: germline.
Comment: Not observed at significant frequency in large population cohorts (gnomAD); In silico analysis suggests that this missense variant does not alter protein structure/function; Has not been previously published as pathogenic or benign to our knowledge.